The following is an entry in ClinVar:

NM_020831.6(MRTFA):c.2693C>T (p.Pro898Leu)

Gene: MRTFA (myocardin related transcription factor A; minus strand). Cytogenetic location: 22q13.1.
Variant type: single nucleotide variant.
Coding change: c.2693C>T on transcript NM_020831.6 (MANE Select); coding-DNA position 2693, C replaced by T.
Protein change: p.Pro898Leu; replaces proline 898 with leucine.
Molecular consequence: missense variant. On other transcripts: 3 prime UTR variant (1).
Genome position (GRCh38, 1-based): chr22:40,411,793, G>A on the plus strand (C>T on the coding strand, the complement: MRTFA is on the minus strand). VCF-style: chr22-40411793-G-A. GRCh37 (hg19) VCF-style: chr22-40807797-G-A.
Other names: c.2393C>T, p.Pro798Leu (NM_001282660.2); c.2543C>T, p.Pro848Leu (NM_001282661.3); c.*6C>T (NM_001282662.3); c.2498C>T, p.Pro833Leu (NM_001318139.2); short protein forms P798L, P833L, P848L, P898L.
Identifiers: ClinVar variation 4704863 (VCV004704863.1).

ClinVar aggregate classification (germline): Uncertain significance (1 of 4 stars; one submission).

gnomAD v4.1: 2 of 1,529,818 alleles (0.00013%); highest among the groups gnomAD compares: Non-Finnish European, 0.000088%; no homozygotes.

Submission:

Labcorp Genetics (formerly Invitae), Labcorp
Classification: Uncertain significance. Last evaluated: 2025-10-20. Review status: criteria provided, single submitter. Criteria: Invitae Variant Classification Sherloc (09022015). Collection method: clinical testing. Allele origin: germline.
Comment: This sequence change replaces proline, which is neutral and non-polar, with leucine, which is neutral and non-polar, at codon 798 of the MKL1 protein (p.Pro798Leu). This variant is not present in population databases (gnomAD no frequency). This variant has not been reported in the literature in individuals affected with MKL1-related conditions. An algorithm developed to predict the effect of missense changes on protein structure and function (PolyPhen-2) suggests that this variant is likely to be tolerated. In summary, the available evidence is currently insufficient to determine the role of this variant in disease. Therefore, it has been classified as a Variant of Uncertain Significance.